The following is an entry in ClinVar:

NM_001130987.2(DYSF):c.4307G>A (p.Gly1436Asp)

Gene: DYSF (dysferlin; plus strand). Cytogenetic location: 2p13.2.
Variant type: single nucleotide variant.
Coding change: c.4307G>A on transcript NM_001130987.2 (MANE Select); coding-DNA position 4307, G replaced by A.
Protein change: p.Gly1436Asp; replaces glycine 1436 with aspartic acid.
Molecular consequence: missense variant.
Genome position (GRCh38, 1-based): chr2:71,612,726, G>A. VCF-style: chr2-71612726-G-A. GRCh37 (hg19) VCF-style: chr2-71839856-G-A.
Other names: c.4256G>A, p.Gly1419Asp (NM_001130455.2, NM_001130983.2); c.4211G>A, p.Gly1404Asp (NM_001130976.2, NM_001130977.2); c.4253G>A, p.Gly1418Asp (NM_001130978.2, NM_003494.4); c.4346G>A, p.Gly1449Asp (NM_001130979.2); c.4304G>A, p.Gly1435Asp (NM_001130980.2, NM_001130981.2); c.4349G>A, p.Gly1450Asp (NM_001130982.2); c.4214G>A, p.Gly1405Asp (NM_001130984.2, NM_001130986.2); c.4307G>A, p.Gly1436Asp (NM_001130985.2); short protein forms G1418D, G1436D, G1419D, G1404D, G1435D, G1449D, G1450D, G1405D.
Identifiers: ClinVar variation 94321 (VCV000094321.30), dbSNP rs398123787, ClinGen allele CA222164.

ClinVar aggregate classification (germline): Pathogenic/Likely pathogenic. Review status: criteria provided, multiple submitters, no conflicts (2 of 4 stars). 12 submissions from 12 submitters: Pathogenic (10); Likely pathogenic (1). 1 of the submissions does not count toward it. Last evaluated 2026-01-26.

Conditions:
Miyoshi muscular dystrophy 1 (MMD1). Identifiers: Orphanet 45448, MedGen C4551973, MONDO:0024545, OMIM 254130.
Autosomal recessive limb-girdle muscular dystrophy type 2B (LGMDR2). Also called: MUSCULAR DYSTROPHY, LIMB-GIRDLE, TYPE 3; Limb-Girdle Muscular Dystrophy Type 2B (LGMD2B); MUSCULAR DYSTROPHY, LIMB-GIRDLE, AUTOSOMAL RECESSIVE 2; Limb-girdle muscular dystrophy, type 2B. Identifiers: Orphanet 268, MedGen C1850889, MONDO:0009676, OMIM 253601.
Distal myopathy with anterior tibial onset. Identifiers: Orphanet 178400, MedGen C1847532, MONDO:0011721, OMIM 606768.
Autosomal recessive limb-girdle muscular dystrophy. Identifiers: Orphanet 102015, MedGen C2931907, MONDO:0015152.
Neuromuscular disease caused by qualitative or quantitative defects of dysferlin. Also called: Qualitative or quantitative defects of dysferlin; Dysferlinopathy. Identifiers: Orphanet 207073, MedGen C2931687, MONDO:0016145.

Allele frequency attached by ClinVar (database versions not stated): ExAC 0.00003; gnomAD exomes 0.00004 and 0.00003; TOPMed 0.00003.
gnomAD v4.1: 15 of 1,614,184 alleles (0.00093%); highest among the groups gnomAD compares: Admixed American, 0.025%; no homozygotes.

Submissions (12):

Natera, Inc.
Classification: Pathogenic for Limb-girdle muscular dystrophy type 2B. Last evaluated: 2026-01-26. Review status: criteria provided, single submitter. Criteria: Natera Variant Classification Schema (03/2026). Collection method: clinical testing. Allele origin: germline.
Comment: The c.4253G>A variant in DYSF is a missense variant predicted to cause substitution of glycine to aspartic acid at amino acid 1418. This variant is rare in the general population with a frequency below the threshold expected for the associated phenotype(s). This variant has been observed in one or more individuals affected with the associated recessive disease, as either homozygous or compound heterozygous with a second variant (PMID: 37688281, 18294055). Given the available evidence, this variant is classified as Pathogenic.

Labcorp Genetics (formerly Invitae), Labcorp
Classification: Pathogenic for Neuromuscular disease caused by qualitative or quantitative defects of dysferlin. Last evaluated: 2025-11-11. Review status: criteria provided, single submitter. Criteria: Invitae Variant Classification Sherloc (09022015). Collection method: clinical testing. Allele origin: germline.
Comment: This sequence change replaces glycine, which is neutral and non-polar, with aspartic acid, which is acidic and polar, at codon 1418 of the DYSF protein (p.Gly1418Asp). This variant is present in population databases (rs398123787, gnomAD 0.03%). This missense change has been observed in individuals with limb-girdle muscular dystrophy type 2B (LGMD2B) (PMID: 18276788, 18294055, 24488599; internal data). It has also been observed to segregate with disease in related individuals. ClinVar contains an entry for this variant (Variation ID: 94321). Invitae Evidence Modeling of protein sequence and biophysical properties (such as structural, functional, and spatial information, amino acid conservation, physicochemical variation, residue mobility, and thermodynamic stability) indicates that this missense variant is expected to disrupt DYSF protein function with a positive predictive value of 95%. For these reasons, this variant has been classified as Pathogenic.

Athena Diagnostics
Classification: Pathogenic. Last evaluated: 2025-09-03. Review status: criteria provided, single submitter. Criteria: Athena Diagnostics Criteria. Collection method: clinical testing. Allele origin: unknown.
Comment: The frequency of this variant in the general population is consistent with pathogenicity. This variant appears to be associated with disease in at least one family. In multiple individuals, this variant has been seen with a single recessive pathogenic variant in the same gene, suggesting this variant may also be pathogenic. Polyphen and MutationTaster predict this amino acid change may be damaging to the protein.

Mayo Clinic Laboratories, Mayo Clinic
Classification: Pathogenic. Last evaluated: 2024-08-28. Review status: criteria provided, single submitter. Criteria: ACMG Guidelines, 2015. Collection method: clinical testing. Allele origin: germline. Observed: 2 variant alleles.
Comment: PP1_strong, PP3, PP4, PM1, PM2, PM3_strong, PS4

Revvity Omics, Revvity
Classification: Pathogenic. Last evaluated: 2024-07-14. Review status: criteria provided, single submitter. Criteria: ACMG Guidelines, 2015. Collection method: clinical testing. Allele origin: germline.

Fulgent Genetics
Classification: Pathogenic for Autosomal recessive limb-girdle muscular dystrophy type 2B; Miyoshi muscular dystrophy 1; Distal myopathy with anterior tibial onset. Last evaluated: 2024-05-29. Review status: criteria provided, single submitter. Criteria: ACMG Guidelines, 2015. Collection method: clinical testing. Allele origin: germline.

Baylor Genetics
Classification: Pathogenic for Miyoshi muscular dystrophy 1. Last evaluated: 2024-02-25. Review status: criteria provided, single submitter. Criteria: ACMG Guidelines, 2015. Collection method: clinical testing. Allele origin: unknown.

Women's Health and Genetics/Laboratory Corporation of America, LabCorp
Classification: Pathogenic for Autosomal recessive limb-girdle muscular dystrophy. Last evaluated: 2024-02-20. Review status: criteria provided, single submitter. Criteria: LabCorp Variant Classification Summary - May 2015. Collection method: clinical testing. Allele origin: germline.
Comment: Variant summary: DYSF c.4253G>A (p.Gly1418Asp) results in a non-conservative amino acid change located in the C2 domain (IPR000008) of the encoded protein sequence. Five of five in-silico tools predict a damaging effect of the variant on protein function. The variant allele was found at a frequency of 4e-05 in 251390 control chromosomes, found exclusively within the Latino subpopulation at a frequency of 0.00029 in the gnomAD database. This frequency is not significantly higher than estimated for a pathogenic variant in DYSF causing Autosomal Recessive Limb-Girdle Muscular Dystrophy (0.00029 vs 0.0031), allowing no conclusion about variant significance. c.4253G>A has been reported in the literature as a biallelic genotype in multiple individuals affected with Autosomal Recessive Limb-Girdle Muscular Dystrophy (e.g. Rosas-Vargas_2007, Kesari_2008, Nagaraju_2008, Ankala_2014) . These data indicate that the variant is very likely to be associated with disease. The following publications have been ascertained in the context of this evaluation (PMID: 24488599, 18832576, 18276788, 18294055). ClinVar contains an entry for this variant (Variation ID: 94321). Based on the evidence outlined above, the variant was classified as pathogenic.

GeneDx
Classification: Pathogenic. Last evaluated: 2017-09-26. Review status: criteria provided, single submitter. Criteria: GeneDx Variant Classification (06012015). Collection method: clinical testing. Allele origin: germline. Affected: yes.
Comment: The G1418D pathogenic variant in the DYSF gene has been previously reported, in both the homozygous and compound heterozygous state, in multiple individuals with DYSF-related disorders who had decreased or absent dysferlin expression (Rosas-Vargas et al., 2007; Kesari et al., 2008; Nagaraju et al., 2008; Ankala et al., 2014).The G1418D variant is not observed at a significant frequency in large population cohorts (Lek et al., 2016; 1000 Genomes Consortium et al., 2015; Exome Variant Server). This variant is a non-conservative amino acid substitution, which is likely to impact secondary protein structure as these residues differ in polarity, charge, size and/or other properties. This substitution occurs at a position that is conserved across species, and in silico analysis predicts this variant is probably damaging to the protein structure/function. Therefore, we interpret G1418D as a pathogenic variant.

Eurofins Ntd Llc (ga)
Classification: Pathogenic. Last evaluated: 2016-09-14. Review status: criteria provided, single submitter. Criteria: EGL Classification Definitions. Collection method: clinical testing. Allele origin: germline. Observed: 14 variant alleles, 10 heterozygotes, 4 homozygotes.

Center for Genetic Medicine Research, Children's National Medical Center
Classification: Likely pathogenic for Autosomal recessive limb-girdle muscular dystrophy type 2B. Last evaluated: 2015-12-01. Review status: criteria provided, single submitter. Criteria: Punetha et al. (J Neuromuscul Dis. 2016). Collection method: research. Allele origin: unknown. Affected: yes.

Counsyl
Classification: Likely pathogenic for Autosomal recessive limb-girdle muscular dystrophy type 2B. Last evaluated: 2017-11-02. Review status: no assertion criteria provided. Collection method: clinical testing. Allele origin: unknown. Not counted in ClinVar's aggregate classification.

Literature cited by the submitters: PubMed 37688281 (cited by 3 submitters); PubMed 18294055 (cited by 6 submitters); PubMed 18276788 (cited by 3 submitters); PubMed 24488599 (cited by 5 submitters); PubMed 33610434 (cited by Athena Diagnostics and Mayo Clinic Laboratories, Mayo Clinic); PubMed 27854218 (cited by 3 submitters); PubMed 35135626 (cited by Athena Diagnostics); PubMed 27104310 (cited by Athena Diagnostics); PubMed 39678382 (cited by Athena Diagnostics); PubMed 18832576 (cited by 4 submitters).